The following is an entry in ClinVar:

NM_000179.3(MSH6):c.3294C>T (p.Cys1098=)

Gene: MSH6 (mutS homolog 6; plus strand). Cytogenetic location: 2p16.3.
Variant type: single nucleotide variant.
Coding change: c.3294C>T on transcript NM_000179.3 (MANE Select); coding-DNA position 3294, C replaced by T.
Protein change: p.Cys1098=; no amino-acid change (cysteine 1098 retained).
Molecular consequence: synonymous variant.
Genome position (GRCh38, 1-based): chr2:47,803,541, C>T. VCF-style: chr2-47803541-C-T. GRCh37 (hg19) VCF-style: chr2-48030680-C-T.
Other names: c.2904C>T, p.Cys968= (NM_001281492.2); c.2388C>T, p.Cys796= (NM_001281493.2, NM_001281494.2).
Identifiers: ClinVar variation 433921 (VCV000433921.19), dbSNP rs766341781, ClinGen allele CA070602.
Genomic context (GRCh38, chr2:47,803,541, plus strand): 5'-AATTCTGTTGCCGGAAGATACCCCCCCCTTCTTAGAGCTTAAAGGATCACGCCATCCTTG[C>T]ATTACGAAGACTTTTTTTGGAGATGATTTTATTCCTAATGACATTCTAATAGGCTGTGAG-3'
Protein context (NP_000170.1, residues 1088-1108): FLELKGSRHP[Cys1098=]ITKTFFGDDF

ClinVar aggregate classification (germline): Benign/Likely benign. Review status: criteria provided, multiple submitters, no conflicts (2 of 4 stars). 8 submissions from 8 submitters: Benign (1); Likely benign (6). 1 of the submissions does not count toward it. Last evaluated 2025-07-29.

Conditions:
Lynch syndrome. Identifiers: Orphanet 144, MedGen C4552100, MONDO:0005835. Disease mechanism: loss of function.
Hereditary nonpolyposis colorectal neoplasms. Identifiers: MedGen C0009405, MeSH D003123.
Hereditary cancer-predisposing syndrome. Also called: Hereditary Cancer Syndrome; Hereditary neoplastic syndrome; Neoplastic Syndromes, Hereditary; Tumor predisposition. Identifiers: Orphanet 140162, MedGen C0027672, MeSH D009386, MONDO:0015356.
Lynch syndrome 5 (LYNCH5). Also called: Colorectal cancer, hereditary nonpolyposis, type 5; Hereditary non-polyposis colorectal cancer, type 5. Identifiers: Orphanet 144, MedGen C1833477, MONDO:0013710, OMIM 614350. Disease mechanism: loss of function.

Allele frequency attached by ClinVar (database versions not stated): gnomAD 0.00001 and 0.00003; gnomAD exomes 0.00001 and 0.00003; TOPMed 0.00001; ExAC 0.00003.

Submissions (8):

Labcorp Genetics (formerly Invitae), Labcorp
Classification: Likely benign for Hereditary nonpolyposis colorectal neoplasms. Last evaluated: 2025-07-29. Review status: criteria provided, single submitter. Criteria: Invitae Variant Classification Sherloc (09022015). Collection method: clinical testing. Allele origin: germline.

Myriad Genetics, Inc.
Classification: Benign for Lynch syndrome 5. Last evaluated: 2025-01-06. Review status: criteria provided, single submitter. Criteria: Myriad Autosomal Dominant, Autosomal Recessive and X-Linked Classification Criteria (2023). Collection method: clinical testing. Allele origin: unknown.
Comment: This variant is considered benign. This variant is a silent/synonymous amino acid change and it is not expected to impact splicing.

All of Us Research Program, National Institutes of Health
Classification: Likely benign for Lynch syndrome. Last evaluated: 2023-12-13. Review status: criteria provided, single submitter. Criteria: ACMG Guidelines, 2015. Collection method: clinical testing. Allele origin: germline. Inheritance: Autosomal dominant inheritance. Observed: 2 variant alleles, 2 heterozygotes.
Comment: This study involves interpretation of variants in research participants for the purpose of population health screening. Participant phenotype was not available at the time of variant classification. Additional details can be found in publication PMID: 35346344, PMCID: PMC8962531

Women's Health and Genetics/Laboratory Corporation of America, LabCorp
Classification: Likely benign. Last evaluated: 2020-01-31. Review status: criteria provided, single submitter. Criteria: LabCorp Variant Classification Summary - May 2015. Collection method: clinical testing. Allele origin: germline.

Color Diagnostics, LLC DBA Color Health
Classification: Likely benign for Hereditary cancer-predisposing syndrome. Last evaluated: 2018-11-21. Review status: criteria provided, single submitter. Criteria: ACMG Guidelines, 2015. Collection method: clinical testing. Allele origin: germline.

GeneDx
Classification: Likely benign. Last evaluated: 2018-05-14. Review status: criteria provided, single submitter. Criteria: GeneDx Variant Classification (06012015). Collection method: clinical testing. Allele origin: germline. Affected: yes.
Comment: This variant is considered likely benign or benign based on one or more of the following criteria: it is a conservative change, it occurs at a poorly conserved position in the protein, it is predicted to be benign by multiple in silico algorithms, and/or has population frequency not consistent with disease.

Ambry Genetics
Classification: Likely benign for Hereditary cancer-predisposing syndrome. Last evaluated: 2015-11-02. Review status: criteria provided, single submitter. Criteria: Ambry Variant Classification Scheme 2023. Collection method: clinical testing. Allele origin: germline.

Department of Pathology and Laboratory Medicine, Sinai Health System
Classification: Likely benign. Review status: no assertion criteria provided. Collection method: clinical testing. Allele origin: unknown. Affected: yes. Study: The Canadian Open Genetics Repository (COGR). Not counted in ClinVar's aggregate classification.
Comment: The p.Cys1098Cys variant was not identified in the literature nor was it identified in the Clinvitae database, COSMIC, InSiGHT Colon Cancer Gene Variant Database (LOVD), Zhejiang Colon Cancer Database (LOVD), ClinVar database, GeneInsight - COGR database and UMD. The variant was identified in the dbSNP database (ID#: rs766341781) but no frequency information was provided, thus the prevalence of this variant in the general population could not be determined; and in the Exome Aggregation Consortium (ExAC) database (released Jan 13, 2015) in 4 of 16512 alleles (frequency: 0.0002) in the South Asian population, although this low number of observations and low frequency is not substantive enough to determine the prevalence of the variant in the general population and its relationship to disease. It was not observed in European (Non-Finnish)/East Asian/Other/African/Latino/European (Finnish) individuals from the ExAC dataset. The p.Cys1098Cys variant is not expected to have clinical significance because it does not result in a change of amino acid and is not located in a known consensus splice site. In addition 1 of 5 in silico or computational prediction software programs (SpliceSiteFinder, MaxEntScan, NNSPLICE, GeneSplicer, HumanSpliceFinder) predict a greater than 10% difference in the creation of a 3â€šÃ„Ã´ cryptic splice site; however, this is not very predictive of pathogenicity. In summary, based on the above information, the clinical significance of this variant cannot be determined with certainty at this time although we would lean towards a more benign role for this variant. This variant is classified as likely benign.